The following is an entry in ClinVar:

NM_001384732.1(CPLANE1):c.916G>A (p.Val306Met)

Gene: CPLANE1 (ciliogenesis and planar polarity effector complex subunit 1; minus strand). Cytogenetic location: 5p13.2.
Variant type: single nucleotide variant.
Coding change: c.916G>A on transcript NM_001384732.1 (MANE Select); coding-DNA position 916, G replaced by A.
Protein change: p.Val306Met; replaces valine 306 with methionine.
Molecular consequence: missense variant.
Genome position (GRCh38, 1-based): chr5:37,238,879, C>T on the plus strand (G>A on the coding strand, the complement: CPLANE1 is on the minus strand). VCF-style: chr5-37238879-C-T. GRCh37 (hg19) VCF-style: chr5-37238981-C-T.
Other names: c.916G>A, p.Val306Met (NM_023073.4); short protein forms V306M.
Identifiers: ClinVar variation 470167 (VCV000470167.8), dbSNP rs776434510, ClinGen allele CA3239152.
Genomic context (GRCh38, chr5:37,238,879, plus strand): 5'-GAAAAAAAGAAAAAAAAGACAGACAAAAGAGTTCTTACCTAATAAGTGTAGCTGGAACCA[C>T]GGGACTCTTGTTACTACATCCTTTAAGGCTACCACAGAGAGTAACAAAATTCAGTGTGTT-3'
Protein context (NP_001371661.1, residues 296-316): SLKGCSNKSP[Val306Met]VPATLIRSYW

ClinVar aggregate classification (germline): Uncertain significance. Review status: criteria provided, multiple submitters, no conflicts (2 of 4 stars). 3 submissions from 3 submitters: Uncertain significance (2). 1 of the submissions does not count toward it. Last evaluated 2024-08-27.

Conditions:
CPLANE1-related disorder. Also called: CPLANE1-related condition.

Allele frequency attached by ClinVar (database versions not stated): TOPMed 0.00003; gnomAD exomes 0.00004; ExAC 0.00005; gnomAD 0.00006; 1000 Genomes Project 30x 0.00016.
gnomAD v4.1: 101 of 1,520,996 alleles (0.0066%); highest among the groups gnomAD compares: Admixed American, 0.026%; no homozygotes.

Submissions (3):

Blueprint Genetics
Classification: Uncertain significance. Last evaluated: 2024-08-27. Review status: criteria provided, single submitter. Criteria: ACMG Guidelines, 2015. Collection method: clinical testing. Allele origin: germline.

Labcorp Genetics (formerly Invitae), Labcorp
Classification: Uncertain significance. Last evaluated: 2022-10-17. Review status: criteria provided, single submitter. Criteria: Invitae Variant Classification Sherloc (09022015). Collection method: clinical testing. Allele origin: germline.
Comment: This sequence change replaces valine, which is neutral and non-polar, with methionine, which is neutral and non-polar, at codon 306 of the CPLANE1 protein (p.Val306Met). The frequency data for this variant in the population databases is considered unreliable, as metrics indicate poor data quality at this position in the gnomAD database. This variant has not been reported in the literature in individuals affected with CPLANE1-related conditions. ClinVar contains an entry for this variant (Variation ID: 470167). Advanced modeling of protein sequence and biophysical properties (such as structural, functional, and spatial information, amino acid conservation, physicochemical variation, residue mobility, and thermodynamic stability) performed at Invitae indicates that this missense variant is not expected to disrupt CPLANE1 protein function. In summary, the available evidence is currently insufficient to determine the role of this variant in disease. Therefore, it has been classified as a Variant of Uncertain Significance.

PreventionGenetics, part of Exact Sciences
Classification: Uncertain significance for CPLANE1-related condition. Last evaluated: 2024-09-09. Review status: no assertion criteria provided. Collection method: clinical testing. Allele origin: germline. Not counted in ClinVar's aggregate classification.
Comment: The CPLANE1 c.916G>A variant is predicted to result in the amino acid substitution p.Val306Met. To our knowledge, this variant has not been reported in the literature. This variant is reported in 0.0084% of alleles in individuals of European (Non-Finnish) descent in gnomAD. At this time, the clinical significance of this variant is uncertain due to the absence of conclusive functional and genetic evidence.